The following is an entry in ClinVar:

ClinVar aggregate classification (germline): Likely pathogenic (0 of 4 stars; one submission).

Conditions:
Glycine encephalopathy. Also called: Nonketotic hyperglycinemia; Non-ketotic hyperglycinemia. Identifiers: Orphanet 407, MedGen C0751748, MONDO:0011612, HP:0008288.

Submission:

Juha Muilu Group; Institute for Molecular Medicine Finland (FIMM)
Classification: Likely pathogenic for Non-ketotic hyperglycinemia. Review status: no assertion criteria provided. Collection method: not provided. Allele origin: unknown.
Comment: FinDis database variant: This variant was not found or characterized by our laboratory, data were collected from public sources: see reference
ClinVar note: Converted during submission from probable-pathogenic to Likely pathogenic.

NM_000170.3(GLDC):c.1111C>G (p.His371Asp)

Gene: GLDC (glycine decarboxylase; minus strand). Cytogenetic location: 9p24.1.
Variant type: single nucleotide variant.
Coding change: c.1111C>G on transcript NM_000170.3 (MANE Select); coding-DNA position 1111, C replaced by G.
Protein change: p.His371Asp; replaces histidine 371 with aspartic acid.
Molecular consequence: missense variant.
Genome position (GRCh38, 1-based): chr9:6,602,153, G>C on the plus strand (C>G on the coding strand, the complement: GLDC is on the minus strand). VCF-style: chr9-6602153-G-C. GRCh37 (hg19) VCF-style: chr9-6602153-G-C.
Other names: short protein forms H371D.
Identifiers: ClinVar variation 56038 (VCV000056038.2), dbSNP rs386833519, ClinGen allele CA263283.